The following is an entry in ClinVar:

ClinVar aggregate classification (germline): Pathogenic/Likely pathogenic. Review status: criteria provided, multiple submitters, no conflicts (2 of 4 stars). 2 submissions from 2 submitters: Pathogenic (1); Likely pathogenic (1). Last evaluated 2023-05-22.

Conditions:
Eichsfeld type congenital muscular dystrophy (CMYO3). Also called: MYOPATHY, SEPN1-RELATED; SELENON-related myopathy; Congenital myopathy 3 with rigid spine; Rigid spine muscular dystrophy 1. Identifiers: MedGen C0410180, MONDO:0100100, OMIM 602771.

Submissions (2):

Revvity Omics, Revvity
Classification: Likely pathogenic for Eichsfeld type congenital muscular dystrophy. Last evaluated: 2023-05-22. Review status: criteria provided, single submitter. Criteria: ACMG Guidelines, 2015. Collection method: clinical testing. Allele origin: germline.

3billion
Classification: Pathogenic for Eichsfeld type congenital muscular dystrophy. Last evaluated: 2023-02-23. Review status: criteria provided, single submitter. Criteria: ACMG Guidelines, 2015. Collection method: clinical testing. Allele origin: unknown. Affected: yes.
Comment: The variant is not observed in the gnomAD v2.1.1 dataset. This variant was predicted to result in a loss or disruption of normal protein function through nonsense-mediated decay (NMD) or protein truncation. Multiple pathogenic variants are reported downstream of the variant. Therefore, this variant is classified as Pathogenic according to the recommendation of ACMG/AMP guideline.

NM_206926.2(SELENON):c.1120G>T (p.Glu374Ter)

Gene: SELENON (selenoprotein N; plus strand). Cytogenetic location: 1p36.11.
Variant type: single nucleotide variant.
Coding change: c.1120G>T on transcript NM_206926.2 (MANE Select); coding-DNA position 1120, G replaced by T.
Protein change: p.Glu374Ter; replaces glutamic acid 374 with a stop codon.
Molecular consequence: nonsense.
Genome position (GRCh38, 1-based): chr1:25,811,820, G>T. VCF-style: chr1-25811820-G-T. GRCh37 (hg19) VCF-style: chr1-26138311-G-T.
Other names: c.1222G>T, p.Glu408Ter (NM_020451.3); short protein forms E374*, E408*.
Identifiers: ClinVar variation 2444322 (VCV002444322.3), dbSNP rs777659233, ClinGen allele CA339117381.